The following is an entry in ClinVar:

NM_001999.4(FBN2):c.6805A>G (p.Met2269Val)

Gene: FBN2 (fibrillin 2; minus strand). Cytogenetic location: 5q23.3.
Variant type: single nucleotide variant.
Coding change: c.6805A>G on transcript NM_001999.4 (MANE Select); coding-DNA position 6805, A replaced by G.
Protein change: p.Met2269Val; replaces methionine 2269 with valine.
Molecular consequence: missense variant.
Genome position (GRCh38, 1-based): chr5:128,287,383, T>C on the plus strand (A>G on the coding strand, the complement: FBN2 is on the minus strand). VCF-style: chr5-128287383-T-C. GRCh37 (hg19) VCF-style: chr5-127623075-T-C.
Other names: short protein forms M2269V.
Identifiers: ClinVar variation 432473 (VCV000432473.9), dbSNP rs943225631, ClinGen allele CA127031393.

ClinVar aggregate classification (germline): Uncertain significance. Review status: criteria provided, multiple submitters, no conflicts (2 of 4 stars). 3 submissions from 3 submitters: Uncertain significance (3). Last evaluated 2022-12-01.

Conditions:
Familial thoracic aortic aneurysm and aortic dissection (TAAD). Also called: Thoracic aortic aneurysms and dissections. Identifiers: Orphanet 91387, MedGen C4707243, MONDO:0019625.
Congenital contractural arachnodactyly (CCA). Also called: BEALS SYNDROME; Beals-Hecht syndrome; Arthrogryposis, distal, type 9. Identifiers: Orphanet 115, MedGen C0220668, MONDO:0007363, OMIM 121050.

Allele frequency attached by ClinVar (database versions not stated): gnomAD exomes below 0.00001; gnomAD 0.00001; TOPMed 0.00001.
gnomAD v4.1: 2 of 1,613,964 alleles (0.00012%); highest among the groups gnomAD compares: Non-Finnish European, 0.000085%; no homozygotes.

Submissions (3):

Labcorp Genetics (formerly Invitae), Labcorp
Classification: Uncertain significance for Congenital contractural arachnodactyly. Last evaluated: 2022-12-01. Review status: criteria provided, single submitter. Criteria: Invitae Variant Classification Sherloc (09022015). Collection method: clinical testing. Allele origin: germline.
Comment: This sequence change replaces methionine, which is neutral and non-polar, with valine, which is neutral and non-polar, at codon 2269 of the FBN2 protein (p.Met2269Val). This variant is not present in population databases (gnomAD no frequency). This variant has not been reported in the literature in individuals affected with FBN2-related conditions. ClinVar contains an entry for this variant (Variation ID: 432473). In summary, the available evidence is currently insufficient to determine the role of this variant in disease. Therefore, it has been classified as a Variant of Uncertain Significance. Advanced modeling of protein sequence and biophysical properties (such as structural, functional, and spatial information, amino acid conservation, physicochemical variation, residue mobility, and thermodynamic stability) performed at Invitae indicates that this missense variant is not expected to disrupt FBN2 protein function.

GeneDx
Classification: Uncertain significance. Last evaluated: 2017-06-15. Review status: criteria provided, single submitter. Criteria: GeneDx Variant Classification (06012015). Collection method: clinical testing. Allele origin: germline. Affected: yes.
Comment: The M2269V variant in the FBN2 gene has not been reported previously as a pathogenic variant, nor as a benign variant, to our knowledge. The M2269V variant is not observed in large population cohorts (Lek et al., 2016; 1000 Genomes Consortium et al., 2015; Exome Variant Server). The M2269V variant is a conservative amino acid substitution, which is not likely to impact secondary protein structure as these residues share similar properties. This substitution occurs at a position where amino acids with similar properties to Methionine are tolerated across species. In silico analysis is inconsistent in its predictions as to whether or not the variant is damaging to the protein structure/function. We interpret M2269V as a variant of uncertain significance.

Ambry Genetics
Classification: Uncertain significance for Familial thoracic aortic aneurysm and aortic dissection. Last evaluated: 2017-05-25. Review status: criteria provided, single submitter. Criteria: Ambry Variant Classification Scheme 2023. Collection method: clinical testing. Allele origin: germline.
Comment: The p.M2269V variant (also known as c.6805A>G), located in coding exon 54 of the FBN2 gene, results from an A to G substitution at nucleotide position 6805. The methionine at codon 2269 is replaced by valine, an amino acid with highly similar properties, and is located in a cbEGF-like domain. This amino acid position is not well conserved in available vertebrate species. In addition, this alteration is predicted to be tolerated by in silico analysis. Since supporting evidence is limited at this time, the clinical significance of this alteration remains unclear.